The following is an entry in ClinVar:

NM_001276345.2(TNNT2):c.560C>A (p.Ala187Asp)

Gene: TNNT2 (troponin T2, cardiac type; minus strand). Cytogenetic location: 1q32.1.
Variant type: single nucleotide variant.
Coding change: c.560C>A on transcript NM_001276345.2 (MANE Select); coding-DNA position 560, C replaced by A.
Protein change: p.Ala187Asp; replaces alanine 187 with aspartic acid.
Molecular consequence: missense variant.
Genome position (GRCh38, 1-based): chr1:201,363,336, G>T on the plus strand (C>A on the coding strand, the complement: TNNT2 is on the minus strand). VCF-style: chr1-201363336-G-T. GRCh37 (hg19) VCF-style: chr1-201332464-G-T.
Other names: c.560C>A, p.Ala187Asp (NM_000364.4); c.530C>A, p.Ala177Asp (NM_001001430.3, NM_001001431.3, NM_001276347.2); c.515C>A, p.Ala172Asp (NM_001001432.3); c.440C>A, p.Ala147Asp (NM_001276346.2); short protein forms A177D, A187D, A147D, A172D.
Identifiers: ClinVar variation 43653 (VCV000043653.5), dbSNP rs397516473, ClinGen allele CA004733.

ClinVar aggregate classification (germline): Uncertain significance (1 of 4 stars; one submission).

Submission:

Laboratory for Molecular Medicine, Mass General Brigham Personalized Medicine
Classification: Uncertain significance. Last evaluated: 2012-06-01. Review status: criteria provided, single submitter. Criteria: LMM Criteria. Collection method: clinical testing. Allele origin: germline. Observed: 1 variant allele.
Comment: The Ala177Asp variant in TNNT2 has not been reported in the literature and has n ot been identified in >3600 individuals (>2200 Caucasian) tested by our laborato ry. Computational analyses (biochemical amino acid properties, conservation, Ali gnGVGD, PolyPhen2, and SIFT) do not provide strong support for or against an imp act to the protein. Additional information is needed to fully assess the clinica l significance of the Ala177Asp variant.